The following is an entry in ClinVar:

ClinVar aggregate classification (germline): Uncertain significance (1 of 4 stars; one submission).

Conditions:
Autoimmune lymphoproliferative syndrome, type III caused by mutation in PRKCD. Identifiers: Orphanet 3261, Orphanet 664711, MedGen C3809928, MONDO:8000024, OMIM 615559.

Allele frequency attached by ClinVar (database versions not stated): gnomAD exomes below 0.00001.
gnomAD v4.1: 1 of 1,613,908 alleles (0.000062%); highest among the groups gnomAD compares: Non-Finnish European, 0.000085%; no homozygotes.

Submission:

Labcorp Genetics (formerly Invitae), Labcorp
Classification: Uncertain significance for Autoimmune lymphoproliferative syndrome, type III caused by mutation in PRKCD. Last evaluated: 2022-08-31. Review status: criteria provided, single submitter. Criteria: Invitae Variant Classification Sherloc (09022015). Collection method: clinical testing. Allele origin: germline.
Comment: This sequence change replaces proline, which is neutral and non-polar, with serine, which is neutral and polar, at codon 568 of the PRKCD protein (p.Pro568Ser). This variant is not present in population databases (gnomAD no frequency). This variant has not been reported in the literature in individuals affected with PRKCD-related conditions. ClinVar contains an entry for this variant (Variation ID: 1489344). Algorithms developed to predict the effect of missense changes on protein structure and function are either unavailable or do not agree on the potential impact of this missense change (SIFT: "Deleterious"; PolyPhen-2: "Probably Damaging"; Align-GVGD: "Class C0"). In summary, the available evidence is currently insufficient to determine the role of this variant in disease. Therefore, it has been classified as a Variant of Uncertain Significance.

NM_006254.4(PRKCD):c.1702C>T (p.Pro568Ser)

Gene: PRKCD (protein kinase C delta; plus strand). Cytogenetic location: 3p21.1.
Variant type: single nucleotide variant.
Coding change: c.1702C>T on transcript NM_006254.4 (MANE Select); coding-DNA position 1702, C replaced by T.
Protein change: p.Pro568Ser; replaces proline 568 with serine.
Molecular consequence: missense variant.
Genome position (GRCh38, 1-based): chr3:53,189,205, C>T. VCF-style: chr3-53189205-C-T. GRCh37 (hg19) VCF-style: chr3-53223221-C-T.
Other names: c.1702C>T, p.Pro568Ser (NM_001316327.2, NM_001354679.2, NM_001354680.2 and 1 more transcripts); c.1759C>T, p.Pro587Ser (NM_001354676.2); c.1750C>T, p.Pro584Ser (NM_001354678.2); short protein forms P587S, P568S, P584S.
Identifiers: ClinVar variation 1489344 (VCV001489344.6), dbSNP rs1703828073, ClinGen allele CA353224096.